The following is an entry in ClinVar:

NM_004333.6(BRAF):c.2265C>G (p.Ile755Met)

Gene: BRAF (B-Raf proto-oncogene, serine/threonine kinase; minus strand). Cytogenetic location: 7q34.
Variant type: single nucleotide variant.
Coding change: c.2265C>G on transcript NM_004333.6 (MANE Select); coding-DNA position 2265, C replaced by G.
Protein change: p.Ile755Met; replaces isoleucine 755 with methionine.
Molecular consequence: missense variant. On other transcripts: intron variant (2).
Genome position (GRCh38, 1-based): chr7:140,734,633, G>C on the plus strand (C>G on the coding strand, the complement: BRAF is on the minus strand). VCF-style: chr7-140734633-G-C. GRCh37 (hg19) VCF-style: chr7-140434433-G-C.
Other names: c.2265C>G, p.Ile755Met (NM_001354609.2); c.2385C>G, p.Ile795Met (NM_001374244.1, NM_001374258.1); c.2274C>G, p.Ile758Met (NM_001378467.1); c.2199C>G, p.Ile733Met (NM_001378469.1); c.2163C>G, p.Ile721Met (NM_001378470.1); c.2154C>G, p.Ile718Met (NM_001378471.1); c.2109C>G, p.Ile703Met (NM_001378472.1, NM_001378473.1); c.2001C>G, p.Ile667Met (NM_001378475.1); and 1 more; short protein forms I703M, I718M, I721M, I795M, I667M, I733M, I758M, I755M.
Identifiers: ClinVar variation 1385876 (VCV001385876.8), dbSNP rs763340034, ClinGen allele CA4516517.
Genomic context (GRCh38, chr7:140,734,633, plus strand): 5'-CCTGAACTCTCTCACTCATTTGTTTCAGTGGACAGGAAACGCACCATATCCCCCTGCCTG[G>C]ATGGGTGTTTTTGGAGAAGCACAAGCATATAGACTAAAATCCTCTGTTTGGAAACCAGCC-3'
Protein context (NP_004324.2, residues 745-765): LYACASPKTP[Ile755Met]QAGGYGAFPV

ClinVar aggregate classification (germline): Uncertain significance (1 of 4 stars; one submission).

Conditions:
RASopathy. Also called: rasopathies; Noonan spectrum disorder. Identifiers: Orphanet 536391, MedGen C5555857, MONDO:0021060.

Allele frequency attached by ClinVar (database versions not stated): gnomAD exomes below 0.00001; ExAC 0.00001; gnomAD 0.00001; TOPMed 0.00001.
gnomAD v4.1: 3 of 1,613,696 alleles (0.00019%); highest among the groups gnomAD compares: African/African-American, 0.004%; no homozygotes.

Submission:

Labcorp Genetics (formerly Invitae), Labcorp
Classification: Uncertain significance for RASopathy. Last evaluated: 2021-06-01. Review status: criteria provided, single submitter. Criteria: Invitae Variant Classification Sherloc (09022015). Collection method: clinical testing. Allele origin: germline.
Comment: In summary, the available evidence is currently insufficient to determine the role of this variant in disease. Therefore, it has been classified as a Variant of Uncertain Significance. Advanced modeling of protein sequence and biophysical properties (such as structural, functional, and spatial information, amino acid conservation, physicochemical variation, residue mobility, and thermodynamic stability) performed at Invitae indicates that this missense variant is not expected to disrupt BRAF protein function. This variant has not been reported in the literature in individuals with BRAF-related conditions. This variant is present in population databases (rs763340034, ExAC 0.01%). This sequence change replaces isoleucine with methionine at codon 755 of the BRAF protein (p.Ile755Met). The isoleucine residue is moderately conserved and there is a small physicochemical difference between isoleucine and methionine.